The following is an entry in ClinVar:

NM_021222.3(PRUNE1):c.391G>C (p.Glu131Gln)

Gene: PRUNE1 (prune exopolyphosphatase 1; plus strand). Cytogenetic location: 1q21.3.
Variant type: single nucleotide variant.
Coding change: c.391G>C on transcript NM_021222.3 (MANE Select); coding-DNA position 391, G replaced by C.
Protein change: p.Glu131Gln; replaces glutamic acid 131 with glutamine.
Molecular consequence: missense variant. On other transcripts: 5 prime UTR variant (1), intron variant (1).
Genome position (GRCh38, 1-based): chr1:151,024,666, G>C. VCF-style: chr1-151024666-G-C. GRCh37 (hg19) VCF-style: chr1-150997142-G-C.
Other names: c.-156G>C (NM_001303229.2); c.391G>C, p.Glu131Gln (NM_001303242.2); c.77-2567G>C (NM_001303243.2); short protein forms E131Q.
Identifiers: ClinVar variation 2108889 (VCV002108889.4), dbSNP rs186350294, ClinGen allele CA1083774.

ClinVar aggregate classification (germline): Uncertain significance (1 of 4 stars; one submission).

Allele frequency attached by ClinVar (database versions not stated): ESP Exome Variant Server 0.00008.
gnomAD v4.1: 6 of 1,613,584 alleles (0.00037%); highest among the groups gnomAD compares: Non-Finnish European, 0.00051%; no homozygotes.

Submission:

Labcorp Genetics (formerly Invitae), Labcorp
Classification: Uncertain significance. Last evaluated: 2022-08-01. Review status: criteria provided, single submitter. Criteria: Invitae Variant Classification Sherloc (09022015). Collection method: clinical testing. Allele origin: germline.
Comment: In summary, the available evidence is currently insufficient to determine the role of this variant in disease. Therefore, it has been classified as a Variant of Uncertain Significance. This sequence change replaces glutamic acid, which is acidic and polar, with glutamine, which is neutral and polar, at codon 131 of the PRUNE1 protein (p.Glu131Gln). This variant is present in population databases (rs186350294, gnomAD 0.003%). This variant has not been reported in the literature in individuals affected with PRUNE1-related conditions. Algorithms developed to predict the effect of missense changes on protein structure and function are either unavailable or do not agree on the potential impact of this missense change (SIFT: "Tolerated"; PolyPhen-2: "Possibly Damaging"; Align-GVGD: "Class C0").